The following is an entry in ClinVar:

NM_001378454.1(ALMS1):c.8794C>G (p.Gln2932Glu)

Gene: ALMS1 (ALMS1 centrosome and basal body associated protein; plus strand). Cytogenetic location: 2p13.1.
Variant type: single nucleotide variant.
Coding change: c.8794C>G on transcript NM_001378454.1 (MANE Select); coding-DNA position 8794, C replaced by G.
Protein change: p.Gln2932Glu; replaces glutamine 2932 with glutamic acid.
Molecular consequence: missense variant.
Genome position (GRCh38, 1-based): chr2:73,490,753, C>G. VCF-style: chr2-73490753-C-G. GRCh37 (hg19) VCF-style: chr2-73717880-C-G.
Other names: c.8797C>G, p.Gln2933Glu (NM_015120.4); short protein forms Q2933E, Q2932E.
Identifiers: ClinVar variation 1501675 (VCV001501675.3), dbSNP rs757528252, ClinGen allele CA1714544.
Genomic context (GRCh38, chr2:73,490,753, plus strand): 5'-GATTATGTAGCTCCAGACCTTCCTTCTTGCATTTTTCTTGAACAACGAGAACTCTTTGAA[C>G]AGTGCAAAGCCCCATATGTAGATCATCAAATGAGAGAAAACCATTCTCCCCTTCCTCAAG-3'
Protein context (NP_001365383.1, residues 2922-2942): IFLEQRELFE[Gln2932Glu]CKAPYVDHQM

ClinVar aggregate classification (germline): Uncertain significance (1 of 4 stars; one submission).

Conditions:
Alstrom syndrome (ALMS). Identifiers: Orphanet 64, MedGen C0268425, MONDO:0008763, OMIM 203800.

Allele frequency attached by ClinVar (database versions not stated): gnomAD exomes below 0.00001 and 0.00001; TOPMed below 0.00001; ExAC 0.00001.
gnomAD v4.1: 1 of 1,614,122 alleles (0.000062%); highest among the groups gnomAD compares: East Asian, 0.0022%; no homozygotes.

Submission:

Labcorp Genetics (formerly Invitae), Labcorp
Classification: Uncertain significance for Alstrom syndrome. Last evaluated: 2021-07-08. Review status: criteria provided, single submitter. Criteria: Invitae Variant Classification Sherloc (09022015). Collection method: clinical testing. Allele origin: germline.
Comment: This sequence change replaces glutamine with glutamic acid at codon 2933 of the ALMS1 protein (p.Gln2933Glu). The glutamine residue is moderately conserved and there is a small physicochemical difference between glutamine and glutamic acid. This variant is present in population databases (rs757528252, ExAC 0.01%). This variant has not been reported in the literature in individuals affected with ALMS1-related conditions. Experimental studies and prediction algorithms are not available or were not evaluated, and the functional significance of this variant is currently unknown. In summary, the available evidence is currently insufficient to determine the role of this variant in disease. Therefore, it has been classified as a Variant of Uncertain Significance.